The following is an entry in ClinVar:

NM_014363.6(SACS):c.2123T>A (p.Phe708Tyr)

Gene: SACS (sacsin molecular chaperone; minus strand). Cytogenetic location: 13q12.12.
Variant type: single nucleotide variant.
Coding change: c.2123T>A on transcript NM_014363.6 (MANE Select); coding-DNA position 2123, T replaced by A.
Protein change: p.Phe708Tyr; replaces phenylalanine 708 with tyrosine.
Molecular consequence: missense variant.
Genome position (GRCh38, 1-based): chr13:23,353,847, A>T on the plus strand (T>A on the coding strand, the complement: SACS is on the minus strand). VCF-style: chr13-23353847-A-T. GRCh37 (hg19) VCF-style: chr13-23927986-A-T.
Other names: c.1682T>A, p.Phe561Tyr (NM_001278055.2); c.2123T>A (NM_014363.5); short protein forms F708Y, F561Y.
Identifiers: ClinVar variation 2149297 (VCV002149297.5), dbSNP rs371289720, ClinGen allele CA6911768.

ClinVar aggregate classification (germline): Conflicting classifications of pathogenicity. Review status: criteria provided, conflicting classifications (1 of 4 stars). 2 submissions from 2 submitters: Uncertain significance (1); Likely benign (1). Last evaluated 2026-03-31.

Conditions:
Spastic paraplegia. Identifiers: MedGen C0037772, HP:0001258.
SACS-related disorder. Also called: SACS-related condition.

Allele frequency attached by ClinVar (database versions not stated): ExAC 0.00004; TOPMed 0.00005; gnomAD exomes 0.00006; gnomAD 0.00007; ESP Exome Variant Server 0.00008.
gnomAD v4.1: 89 of 1,610,352 alleles (0.0055%); highest among the groups gnomAD compares: Non-Finnish European, 0.0071%; no homozygotes.

Submissions (2):

PreventionGenetics, part of Exact Sciences
Classification: Uncertain significance for SACS-related condition. Last evaluated: 2026-03-31. Review status: criteria provided, single submitter. Criteria: ACMG Guidelines, 2015. Collection method: clinical testing. Allele origin: germline.
Comment: The SACS c.2123T>A variant is predicted to result in the amino acid substitution p.Phe708Tyr. To our knowledge, this variant has not been reported in the literature. This variant is reported in 0.0077% of alleles in individuals of European (Non-Finnish) descent in gnomAD. At this time, the clinical significance of this variant is uncertain due to the absence of conclusive functional and genetic evidence.

Labcorp Genetics (formerly Invitae), Labcorp
Classification: Likely benign for Spastic paraplegia. Last evaluated: 2025-11-19. Review status: criteria provided, single submitter. Criteria: Invitae Variant Classification Sherloc (09022015). Collection method: clinical testing. Allele origin: germline.